The following is an entry in ClinVar:

ClinVar aggregate classification (germline): Benign/Likely benign. Review status: criteria provided, multiple submitters, no conflicts (2 of 4 stars). 3 submissions from 3 submitters: Benign (2); Likely benign (1). Last evaluated 2026-02-10.

Allele frequency attached by ClinVar (database versions not stated): TOPMed 0.00011; gnomAD 0.00015; ESP Exome Variant Server 0.00029.
gnomAD v4.1: 151 of 1,599,014 alleles (0.0094%); highest among the groups gnomAD compares: Admixed American, 0.043%; no homozygotes.

Submissions (3):

Women's Health and Genetics/Laboratory Corporation of America, LabCorp
Classification: Benign. Last evaluated: 2026-02-10. Review status: criteria provided, single submitter. Criteria: LabCorp Variant Classification Summary - May 2015. Collection method: clinical testing. Allele origin: germline.
Comment: Variant summary: IKZF1 c.160+17C>T alters a nucleotide located at a position not widely known to affect splicing. Consensus agreement among computation tools predict no significant impact on normal splicing. However, these predictions have yet to be confirmed by functional studies. The variant allele was found at a frequency of 0.00025 in 222460 control chromosomes. The observed variant frequency exceeds the estimated maximal expected allele frequency for disease-causing variants in IKZF1. To our knowledge, no occurrence of c.160+17C>T in individuals affected with IKZF1-related conditions and no experimental evidence demonstrating its impact on protein function have been reported. ClinVar contains an entry for this variant (Variation ID: 1971564). Based on the evidence outlined above, the variant was classified as benign.

Labcorp Genetics (formerly Invitae), Labcorp
Classification: Benign. Last evaluated: 2025-11-05. Review status: criteria provided, single submitter. Criteria: Invitae Variant Classification Sherloc (09022015). Collection method: clinical testing. Allele origin: germline.

Blueprint Genetics
Classification: Likely benign. Last evaluated: 2024-10-15. Review status: criteria provided, single submitter. Criteria: ACMG Guidelines, 2015. Collection method: clinical testing. Allele origin: germline.

Literature cited by the submitters: PubMed 26202931 (cited by Women's Health and Genetics/Laboratory Corporation of America, LabCorp); PubMed 22868967 (cited by Women's Health and Genetics/Laboratory Corporation of America, LabCorp); PubMed 22699455 (cited by Women's Health and Genetics/Laboratory Corporation of America, LabCorp); PubMed 19129520 (cited by Women's Health and Genetics/Laboratory Corporation of America, LabCorp); PubMed 10463586 (cited by Women's Health and Genetics/Laboratory Corporation of America, LabCorp); PubMed 7585946 (cited by Women's Health and Genetics/Laboratory Corporation of America, LabCorp); PubMed 27067989 (cited by Women's Health and Genetics/Laboratory Corporation of America, LabCorp); PubMed 27815723 (cited by Women's Health and Genetics/Laboratory Corporation of America, LabCorp); PubMed 8986714 (cited by Women's Health and Genetics/Laboratory Corporation of America, LabCorp).

NM_006060.6(IKZF1):c.160+17C>T

Gene: IKZF1 (IKAROS family zinc finger 1; plus strand). Cytogenetic location: 7p12.2.
Variant type: single nucleotide variant.
Coding change: c.160+17C>T on transcript NM_006060.6 (MANE Select); 17 bases into the intron after coding-DNA position 160, C replaced by T.
Molecular consequence: intron variant.
Genome position (GRCh38, 1-based): chr7:50,327,774, C>T. VCF-style: chr7-50327774-C-T. GRCh37 (hg19) VCF-style: chr7-50367370-C-T.
Other names: c.160+17C>T (NM_001410879.1, NM_001291839.2, NM_001220765.3 and 14 more transcripts).
Identifiers: ClinVar variation 1971564 (VCV001971564.7), dbSNP rs373192449, ClinGen allele CA4261216.